The following is an entry in ClinVar:

ClinVar aggregate classification (germline): Uncertain significance (1 of 4 stars; one submission).

Allele frequency attached by ClinVar (database versions not stated): gnomAD exomes below 0.00001; ExAC 0.00001.
gnomAD v4.1: 1 of 1,613,326 alleles (0.000062%); highest among the groups gnomAD compares: East Asian, 0.0022%; no homozygotes.

Submission:

Labcorp Genetics (formerly Invitae), Labcorp
Classification: Uncertain significance. Last evaluated: 2022-04-20. Review status: criteria provided, single submitter. Criteria: Invitae Variant Classification Sherloc (09022015). Collection method: clinical testing. Allele origin: germline.
Comment: This sequence change replaces lysine, which is basic and polar, with glutamine, which is neutral and polar, at codon 202 of the PPP2R1A protein (p.Lys202Gln). In summary, the available evidence is currently insufficient to determine the role of this variant in disease. Therefore, it has been classified as a Variant of Uncertain Significance. Algorithms developed to predict the effect of missense changes on protein structure and function (SIFT, PolyPhen-2, Align-GVGD) all suggest that this variant is likely to be tolerated. This variant has not been reported in the literature in individuals affected with PPP2R1A-related conditions. This variant is present in population databases (rs759982626, gnomAD 0.006%).

NM_014225.6(PPP2R1A):c.604A>C (p.Lys202Gln)

Gene: PPP2R1A (protein phosphatase 2 scaffold subunit Aalpha; plus strand). Cytogenetic location: 19q13.41.
Variant type: single nucleotide variant.
Coding change: c.604A>C on transcript NM_014225.6 (MANE Select); coding-DNA position 604, A replaced by C.
Protein change: p.Lys202Gln; replaces lysine 202 with glutamine.
Molecular consequence: missense variant. On other transcripts: non-coding transcript variant (1).
Genome position (GRCh38, 1-based): chr19:52,212,786, A>C. VCF-style: chr19-52212786-A-C. GRCh37 (hg19) VCF-style: chr19-52716039-A-C.
Other names: c.67A>C, p.Lys23Gln (NM_001363656.2); short protein forms K202Q, K23Q.
Identifiers: ClinVar variation 2122648 (VCV002122648.4), dbSNP rs759982626, ClinGen allele CA9621376.